The following is an entry in ClinVar:

NM_000228.3(LAMB3):c.2188C>T (p.Gln730Ter)

Gene: LAMB3 (laminin subunit beta 3; minus strand). Cytogenetic location: 1q32.2.
Variant type: single nucleotide variant.
Coding change: c.2188C>T on transcript NM_000228.3 (MANE Select); coding-DNA position 2188, C replaced by T.
Protein change: p.Gln730Ter; replaces glutamine 730 with a stop codon.
Molecular consequence: nonsense.
Genome position (GRCh38, 1-based): chr1:209,623,675, G>A on the plus strand (C>T on the coding strand, the complement: LAMB3 is on the minus strand). VCF-style: chr1-209623675-G-A. GRCh37 (hg19) VCF-style: chr1-209797020-G-A.
Other names: c.2188C>T, p.Gln730Ter (NM_001017402.2, NM_001127641.1); short protein forms Q730*.
Identifiers: ClinVar variation 977217 (VCV000977217.5), dbSNP rs1350303547, ClinGen allele CA344588537.

ClinVar aggregate classification (germline): Pathogenic. Review status: criteria provided, single submitter (1 of 4 stars). 2 submissions from 2 submitters: Pathogenic (1). 1 of the submissions does not count toward it. Last evaluated 2023-05-31.

Conditions:
Junctional epidermolysis bullosa gravis of Herlitz. Also called: Epidermolysis Bullosa Letalis; Herlitz-type junctional epidermolysis bullosa; EPIDERMOLYSIS BULLOSA, JUNCTIONAL 1B, SEVERE; EPIDERMOLYSIS BULLOSA JUNCTIONALIS, HERLITZ TYPE; EPIDERMOLYSIS BULLOSA, JUNCTIONAL, HERLITZ-PEARSON TYPE; JEB-HERLITZ TYPE. Identifiers: Orphanet 79404, MedGen C0079683, MONDO:0009182, OMIM 226700.

Allele frequency attached by ClinVar (database versions not stated): gnomAD exomes below 0.00001; gnomAD 0.00001; TOPMed 0.00001.
gnomAD v4.1: 2 of 1,614,054 alleles (0.00012%); highest among the groups gnomAD compares: African/African-American, 0.0013%; no homozygotes.

Submissions (2):

Labcorp Genetics (formerly Invitae), Labcorp
Classification: Pathogenic. Last evaluated: 2023-05-31. Review status: criteria provided, single submitter. Criteria: Invitae Variant Classification Sherloc (09022015). Collection method: clinical testing. Allele origin: germline.
Comment: For these reasons, this variant has been classified as Pathogenic. ClinVar contains an entry for this variant (Variation ID: 977217). This premature translational stop signal has been observed in individual(s) with autosomal recessive junctional epidermolysis bullosa (PMID: 32484238). This variant is not present in population databases (gnomAD no frequency). This sequence change creates a premature translational stop signal (p.Gln730*) in the LAMB3 gene. It is expected to result in an absent or disrupted protein product. Loss-of-function variants in LAMB3 are known to be pathogenic (PMID: 11023379, 16473856).

Limin Genodermatosis Research Center, The First Affiliated Hospital of Soochow University
Classification: Pathogenic for Junctional epidermolysis bullosa gravis of Herlitz. Last evaluated: 2020-08-18. Review status: no assertion criteria provided. Collection method: clinical testing. Allele origin: germline. Affected: yes. Not counted in ClinVar's aggregate classification.

Literature cited by the submitters: PubMed 32484238 (cited by Labcorp Genetics (formerly Invitae), Labcorp); PubMed 11023379 (cited by Labcorp Genetics (formerly Invitae), Labcorp); PubMed 16473856 (cited by Labcorp Genetics (formerly Invitae), Labcorp).